The following is an entry in ClinVar:

NM_014712.3(SETD1A):c.38C>T (p.Pro13Leu)

Gene: SETD1A (SET domain containing 1A, histone lysine methyltransferase; plus strand). Cytogenetic location: 16p11.2.
Variant type: single nucleotide variant.
Coding change: c.38C>T on transcript NM_014712.3 (MANE Select); coding-DNA position 38, C replaced by T.
Protein change: p.Pro13Leu; replaces proline 13 with leucine.
Molecular consequence: missense variant.
Genome position (GRCh38, 1-based): chr16:30,958,769, C>T. VCF-style: chr16-30958769-C-T. GRCh37 (hg19) VCF-style: chr16-30970090-C-T.
Other names: short protein forms P13L.
Identifiers: ClinVar variation 3368203 (VCV003368203.1).

ClinVar aggregate classification (germline): Uncertain significance (1 of 4 stars; one submission).

gnomAD v4.1: 3 of 1,614,156 alleles (0.00019%); highest among the groups gnomAD compares: Non-Finnish European, 0.00017%; no homozygotes.

Submission:

GeneDx
Classification: Uncertain significance. Last evaluated: 2024-01-25. Review status: criteria provided, single submitter. Criteria: GeneDx Variant Classification Process June 2021. Collection method: clinical testing. Allele origin: germline. Affected: yes.
Comment: Not observed at significant frequency in large population cohorts (gnomAD); In silico analysis supports that this missense variant does not alter protein structure/function; Has not been previously published as pathogenic or benign to our knowledge